The following is an entry in ClinVar:

NM_001271938.2(MEGF8):c.1613G>A (p.Gly538Glu)

Gene: MEGF8 (multiple EGF like domains 8; plus strand). Cytogenetic location: 19q13.2.
Variant type: single nucleotide variant.
Coding change: c.1613G>A on transcript NM_001271938.2 (MANE Select); coding-DNA position 1613, G replaced by A.
Protein change: p.Gly538Glu; replaces glycine 538 with glutamic acid.
Molecular consequence: missense variant.
Genome position (GRCh38, 1-based): chr19:42,343,576, G>A. VCF-style: chr19-42343576-G-A. GRCh37 (hg19) VCF-style: chr19-42847728-G-A.
Other names: c.1613G>A, p.Gly538Glu (NM_001410.3); short protein forms G538E.
Identifiers: ClinVar variation 3643629 (VCV003643629.2).
Genomic context (GRCh38, chr19:42,343,576, plus strand): 5'-CTGCGGTGCTTGGTGGCAGCGTCCTGTTGGTGGCTGGGGGGTACAGCGGCCGGCCCCGTG[G>A]GGACTTGATGGCGTACAAGGTGCCCCCCTTTGTGTTCCAGGCACCTGCCCCTGACGTGAG-3'
Protein context (NP_001258867.1, residues 528-548): VAGGYSGRPR[Gly538Glu]DLMAYKVPPF

ClinVar aggregate classification (germline): Uncertain significance (1 of 4 stars; one submission).

Conditions:
MEGF8-related Carpenter syndrome. Also called: Carpenter syndrome 2. Identifiers: Orphanet 65759, MedGen C3554247, MONDO:0013998, OMIM 614976.

Submission:

Labcorp Genetics (formerly Invitae), Labcorp
Classification: Uncertain significance for MEGF8-related Carpenter syndrome. Last evaluated: 2024-02-28. Review status: criteria provided, single submitter. Criteria: Invitae Variant Classification Sherloc (09022015). Collection method: clinical testing. Allele origin: germline.
Comment: This sequence change replaces glycine, which is neutral and non-polar, with glutamic acid, which is acidic and polar, at codon 538 of the MEGF8 protein (p.Gly538Glu). This variant is not present in population databases (gnomAD no frequency). This variant has not been reported in the literature in individuals affected with MEGF8-related conditions. An algorithm developed to predict the effect of missense changes on protein structure and function (PolyPhen-2) suggests that this variant is likely to be tolerated. In summary, the available evidence is currently insufficient to determine the role of this variant in disease. Therefore, it has been classified as a Variant of Uncertain Significance.